The following is an entry in ClinVar:

ClinVar aggregate classification (germline): Uncertain significance. Review status: criteria provided, multiple submitters, no conflicts (2 of 4 stars). 2 submissions from 2 submitters: Uncertain significance (2). Last evaluated 2024-10-29.

Conditions:
Fanconi anemia (FA). Also called: Fanconi's anemia. Identifiers: Orphanet 84, MedGen C0015625, MeSH D005199, MONDO:0019391.

Allele frequency attached by ClinVar (database versions not stated): TOPMed 0.00001; gnomAD exomes 0.00002.
gnomAD v4.1: 23 of 1,614,188 alleles (0.0014%); highest among the groups gnomAD compares: Non-Finnish European, 0.0019%; no homozygotes.

Submissions (2):

Labcorp Genetics (formerly Invitae), Labcorp
Classification: Uncertain significance for Fanconi anemia. Last evaluated: 2024-10-29. Review status: criteria provided, single submitter. Criteria: Invitae Variant Classification Sherloc (09022015). Collection method: clinical testing. Allele origin: germline.
Comment: This sequence change replaces glycine, which is neutral and non-polar, with serine, which is neutral and polar, at codon 163 of the SLX4 protein (p.Gly163Ser). This variant is present in population databases (no rsID available, gnomAD 0.006%). This variant has not been reported in the literature in individuals affected with SLX4-related conditions. ClinVar contains an entry for this variant (Variation ID: 3017061). An algorithm developed to predict the effect of missense changes on protein structure and function (PolyPhen-2) suggests that this variant¬¨‚Ä†is likely to be tolerated. In summary, the available evidence is currently insufficient to determine the role of this variant in disease. Therefore, it has been classified as a Variant of Uncertain Significance.

Blueprint Genetics
Classification: Uncertain significance. Last evaluated: 2022-02-04. Review status: criteria provided, single submitter. Criteria: ACMG Guidelines, 2015. Collection method: clinical testing. Allele origin: germline.

NM_032444.4(SLX4):c.487G>A (p.Gly163Ser)

Gene: SLX4 (SLX4 structure-specific endonuclease subunit; minus strand). Cytogenetic location: 16p13.3.
Variant type: single nucleotide variant.
Coding change: c.487G>A on transcript NM_032444.4 (MANE Select); coding-DNA position 487, G replaced by A.
Protein change: p.Gly163Ser; replaces glycine 163 with serine.
Molecular consequence: missense variant.
Genome position (GRCh38, 1-based): chr16:3,608,478, C>T on the plus strand (G>A on the coding strand, the complement: SLX4 is on the minus strand). VCF-style: chr16-3608478-C-T. GRCh37 (hg19) VCF-style: chr16-3658479-C-T.
Other names: short protein forms G163S.
Identifiers: ClinVar variation 3017061 (VCV003017061.3), dbSNP rs1418172864, ClinGen allele CA394547140.
Genomic context (GRCh38, chr16:3,608,478, plus strand): 5'-AGTACAAATTACCTCTGGTTTTCTCTCTGGAAAGGTTTGGCGATGGTTCTTGCTGGTTAC[C>T]CGTCTGGGTGTTTTGTGCTGTTTCCCGGAGCACAGGTGGATCTGGAGCAGAGGCAAGCAC-3'
Protein context (NP_115820.2, residues 153-173): LRETAQNTQT[Gly163Ser]NQQEPSPNLS